The following is an entry in ClinVar:

NM_025074.7(FRAS1):c.10088T>G (p.Leu3363Ter)

Gene: FRAS1 (Fraser extracellular matrix complex subunit 1; plus strand). Cytogenetic location: 4q21.21.
Variant type: single nucleotide variant.
Coding change: c.10088T>G on transcript NM_025074.7 (MANE Select); coding-DNA position 10088, T replaced by G.
Protein change: p.Leu3363Ter; replaces leucine 3363 with a stop codon.
Molecular consequence: nonsense.
Genome position (GRCh38, 1-based): chr4:78,513,466, T>G. VCF-style: chr4-78513466-T-G. GRCh37 (hg19) VCF-style: chr4-79434620-T-G.
Other names: short protein forms L3363*.
Identifiers: ClinVar variation 3645549 (VCV003645549.2).
Genomic context (GRCh38, chr4:78,513,466, plus strand): 5'-TGCAGATCCCACACCAGGATGGAATGCTGCCCCTTATCTCCACCATGCCGTTGCACAACT[T>G]ACATTTTCTACTGTCTGAGTCCATCTACAGACACCAGCACGTCTGCTCCAATTTAGTTAC-3'

ClinVar aggregate classification (germline): Pathogenic (1 of 4 stars; one submission).

Submission:

Labcorp Genetics (formerly Invitae), Labcorp
Classification: Pathogenic. Last evaluated: 2024-03-18. Review status: criteria provided, single submitter. Criteria: Invitae Variant Classification Sherloc (09022015). Collection method: clinical testing. Allele origin: germline.
Comment: This sequence change creates a premature translational stop signal (p.Leu3363*) in the FRAS1 gene. It is expected to result in an absent or disrupted protein product. Loss-of-function variants in FRAS1 are known to be pathogenic (PMID: 12766769, 18671281). This variant is not present in population databases (gnomAD no frequency). This variant has not been reported in the literature in individuals affected with FRAS1-related conditions. For these reasons, this variant has been classified as Pathogenic.

Literature cited by the submitters: PubMed 12766769; PubMed 18671281.